The following is an entry in ClinVar:

NM_017617.5(NOTCH1):c.5981A>G (p.Asp1994Gly)

Genes: NOTCH1 (notch receptor 1; minus strand), LOC126860794 (BRD4-independent group 4 enhancer GRCh37_chr9:139392592-139393791; plus strand). Cytogenetic location: 9q34.3.
Variant type: single nucleotide variant.
Coding change: c.5981A>G on transcript NM_017617.5 (MANE Select); coding-DNA position 5981, A replaced by G.
Protein change: p.Asp1994Gly; replaces aspartic acid 1994 with glycine.
Molecular consequence: missense variant.
Genome position (GRCh38, 1-based): chr9:136,499,213, T>C on the plus strand (A>G on the coding strand, the complement: NOTCH1 is on the minus strand). VCF-style: chr9-136499213-T-C. GRCh37 (hg19) VCF-style: chr9-139393665-T-C.
Other names: c.5981A>G, p.Asp1994Gly (LRG_1122t1); short protein forms D1994G.
Identifiers: ClinVar variation 450093 (VCV000450093.14), dbSNP rs1454512890, ClinGen allele CA375634735.
Genomic context (GRCh38, chr9:136,499,213, plus strand): 5'-AGGTCCTCCAGCATGCCCTCCACGGCCAGGCGGGCAGCCAGGATCAGTGGCGTCGTGCCA[T>C]CATGCATGCGGGCATCCAGGTCTGTGGCTCGGTTCCGGATCAGGATCTGGGCAACAGGGA-3'
Protein context (NP_060087.3, residues 1984-2004): RATDLDARMH[Asp1994Gly]GTTPLILAAR

ClinVar aggregate classification (germline): Conflicting classifications of pathogenicity. Review status: criteria provided, conflicting classifications (1 of 4 stars). 5 submissions from 4 submitters: Uncertain significance (4); Likely benign (1). Last evaluated 2025-11-17.

Conditions:
Adams-Oliver syndrome 5 (AOS5). Identifiers: Orphanet 974, MedGen C4014970, MONDO:0014459, OMIM 616028.
Familial thoracic aortic aneurysm and aortic dissection (TAAD). Also called: Thoracic aortic aneurysms and dissections. Identifiers: Orphanet 91387, MedGen C4707243, MONDO:0019625.
Aortic valve disease 1 (AOVD1). Identifiers: MedGen C3887892, MONDO:0024523, OMIM 109730.

Allele frequency attached by ClinVar (database versions not stated): TOPMed below 0.00001; gnomAD exomes 0.00001.
gnomAD v4.1: 3 of 1,613,362 alleles (0.00019%); highest among the groups gnomAD compares: Non-Finnish European, 0.00025%; no homozygotes.

Submissions (5):

GeneDx
Classification: Uncertain significance. Last evaluated: 2025-11-17. Review status: criteria provided, single submitter. Criteria: GeneDx Variant Classification Process June 2021. Collection method: clinical testing. Allele origin: germline. Affected: yes.
Comment: Has not been previously published as pathogenic or benign to our knowledge; Not observed at significant frequency in large population cohorts (gnomAD); In silico analysis supports that this missense variant has a deleterious effect on protein structure/function

Ambry Genetics
Classification: Uncertain significance for Familial thoracic aortic aneurysm and aortic dissection. Last evaluated: 2024-09-11. Review status: criteria provided, single submitter. Criteria: Ambry Variant Classification Scheme 2023. Collection method: clinical testing. Allele origin: germline.
Comment: The p.D1994G variant (also known as c.5981A>G), located in coding exon 32 of the NOTCH1 gene, results from an A to G substitution at nucleotide position 5981. The aspartic acid at codon 1994 is replaced by glycine, an amino acid with similar properties. This amino acid position is conserved. In addition, the in silico prediction for this alteration is inconclusive. Based on the available evidence, the clinical significance of this variant remains unclear.

Labcorp Genetics (formerly Invitae), Labcorp
Classification: Likely benign for Adams-Oliver syndrome 5. Last evaluated: 2022-07-29. Review status: criteria provided, single submitter. Criteria: Invitae Variant Classification Sherloc (09022015). Collection method: clinical testing. Allele origin: germline.

Genome-Nilou Lab
Classification: Uncertain significance for Adams-Oliver syndrome 5. Last evaluated: 2022-03-15. Review status: criteria provided, single submitter. Criteria: ACMG Guidelines, 2015. Collection method: clinical testing. Allele origin: germline. Affected: no.

Genome-Nilou Lab
Classification: Uncertain significance for Aortic valve disease 1. Last evaluated: 2022-03-15. Review status: criteria provided, single submitter. Criteria: ACMG Guidelines, 2015. Collection method: clinical testing. Allele origin: germline. Affected: no.